The following is an entry in ClinVar:

ClinVar aggregate classification (germline): Uncertain significance (1 of 4 stars; one submission).

Conditions:
Hereditary spastic paraplegia 11. Also called: SPASTIC PARAPLEGIA, AUTOSOMAL RECESSIVE, COMPLICATED, WITH THIN CORPUS CALLOSUM; SPASTIC PARAPLEGIA, AUTOSOMAL RECESSIVE, WITH MENTAL IMPAIRMENT AND THIN CORPUS CALLOSUM; Spastic Paraplegia 11; Spastic paraplegia, mental retardation and thin corpus callosum; Nakamura Osame syndrome; Autosomal recessive hereditary spastic paraplegia, mental impairment, and thin corpus callosum. Identifiers: Orphanet 2822, MedGen C1858479, MONDO:0011445, OMIM 604360.

Submission:

Labcorp Genetics (formerly Invitae), Labcorp
Classification: Uncertain significance for Hereditary spastic paraplegia 11. Last evaluated: 2021-12-09. Review status: criteria provided, single submitter. Criteria: Invitae Variant Classification Sherloc (09022015). Collection method: clinical testing. Allele origin: germline.
Comment: In summary, the available evidence is currently insufficient to determine the role of this variant in disease. Therefore, it has been classified as a Variant of Uncertain Significance. Algorithms developed to predict the effect of missense changes on protein structure and function are either unavailable or do not agree on the potential impact of this missense change (SIFT: "Deleterious"; PolyPhen-2: "Probably Damaging"; Align-GVGD: "Class C0"). This variant has not been reported in the literature in individuals affected with SPG11-related conditions. This variant is not present in population databases (gnomAD no frequency). This sequence change replaces glycine, which is neutral and non-polar, with arginine, which is basic and polar, at codon 123 of the SPG11 protein (p.Gly123Arg).

NM_025137.4(SPG11):c.367G>A (p.Gly123Arg)

Gene: SPG11 (SPG11 vesicle trafficking associated, spatacsin; minus strand). Cytogenetic location: 15q21.1.
Variant type: single nucleotide variant.
Coding change: c.367G>A on transcript NM_025137.4 (MANE Select); coding-DNA position 367, G replaced by A.
Protein change: p.Gly123Arg; replaces glycine 123 with arginine.
Molecular consequence: missense variant.
Genome position (GRCh38, 1-based): chr15:44,660,507, C>T on the plus strand (G>A on the coding strand, the complement: SPG11 is on the minus strand). VCF-style: chr15-44660507-C-T. GRCh37 (hg19) VCF-style: chr15-44952705-C-T.
Other names: c.367G>A, p.Gly123Arg (NM_001160227.2, NM_001411132.1); short protein forms G123R.
Identifiers: ClinVar variation 2038913 (VCV002038913.4), dbSNP rs2505776075, ClinGen allele CA392238230.
Genomic context (GRCh38, chr15:44,660,507, plus strand): 5'-CAATGAGCTTTTGCAATGCCTCCCTACTACAGCTATACAAAATGGTTGCATCACATCTTC[C>T]ATCTTTCAAATTAAATTCATAGATAAGCAGTTCATAATTTTCACCAAGAGCGAGCAGTTT-3'
Protein context (NP_079413.3, residues 113-133): LLIYEFNLKD[Gly123Arg]RCDATILYSC